The following is an entry in ClinVar:

ClinVar aggregate classification (germline): Pathogenic (1 of 4 stars; one submission).

Submission:

Labcorp Genetics (formerly Invitae), Labcorp
Classification: Pathogenic. Last evaluated: 2023-02-16. Review status: criteria provided, single submitter. Criteria: Invitae Variant Classification Sherloc (09022015). Collection method: clinical testing. Allele origin: germline.
Comment: For these reasons, this variant has been classified as Pathogenic. This sequence change creates a premature translational stop signal (p.Glu739*) in the NEXMIF gene. It is expected to result in an absent or disrupted protein product. Loss-of-function variants in NEXMIF are known to be pathogenic (PMID: 23615299). This variant is not present in population databases (gnomAD no frequency). This variant has not been reported in the literature in individuals affected with NEXMIF-related conditions.

Literature cited by the submitters: PubMed 23615299.

NM_001008537.3(NEXMIF):c.2215G>T (p.Glu739Ter)

Gene: NEXMIF (neurite extension and migration factor; minus strand). Cytogenetic location: Xq13.3.
Variant type: single nucleotide variant.
Coding change: c.2215G>T on transcript NM_001008537.3 (MANE Select); coding-DNA position 2215, G replaced by T.
Protein change: p.Glu739Ter; replaces glutamic acid 739 with a stop codon.
Molecular consequence: nonsense.
Genome position (GRCh38, 1-based): chrX:74,742,342, C>A on the plus strand (G>T on the coding strand, the complement: NEXMIF is on the minus strand). VCF-style: chrX-74742342-C-A. GRCh37 (hg19) VCF-style: chrX-73962177-C-A.
Other names: short protein forms E739*.
Identifiers: ClinVar variation 2838045 (VCV002838045.3), dbSNP rs2519914322, ClinGen allele CA413668716.